The following is an entry in ClinVar:

ClinVar aggregate classification (germline): Likely benign (1 of 4 stars; one submission).

Allele frequency attached by ClinVar (database versions not stated): 1000 Genomes Project 0.00060; 1000 Genomes Project 30x 0.00078; ExAC 0.00149; TOPMed 0.00162; gnomAD 0.00169; gnomAD exomes 0.00256; ESP Exome Variant Server 0.00279.
gnomAD v4.1: 3,958 of 1,613,884 alleles (0.25%); highest among the groups gnomAD compares: Non-Finnish European, 0.3%; 12 homozygotes.

Submission:

CeGaT Center for Human Genetics Tuebingen
Classification: Likely benign. Last evaluated: 2024-04-01. Review status: criteria provided, single submitter. Criteria: CeGaT Center For Human Genetics Tuebingen Variant Classification Criteria Version 2. Collection method: clinical testing. Allele origin: germline. Affected: yes. Observed: 1 variant allele.
Comment: AMOTL1: BP4, BS2

NM_130847.3(AMOTL1):c.519G>A (p.Glu173=)

Gene: AMOTL1 (angiomotin like 1; plus strand). Cytogenetic location: 11q21.
Variant type: single nucleotide variant.
Coding change: c.519G>A on transcript NM_130847.3 (MANE Select); coding-DNA position 519, G replaced by A.
Protein change: p.Glu173=; no amino-acid change (glutamic acid 173 retained).
Molecular consequence: synonymous variant.
Genome position (GRCh38, 1-based): chr11:94,799,709, G>A. VCF-style: chr11-94799709-G-A. GRCh37 (hg19) VCF-style: chr11-94532875-G-A.
Other names: c.369G>A, p.Glu123= (NM_001301007.2).
Identifiers: ClinVar variation 3234149 (VCV003234149.20), dbSNP rs190250592, ClinGen allele CA6236967.